The following is an entry in ClinVar:

ClinVar aggregate classification (germline): Uncertain significance (1 of 4 stars; one submission).

Conditions:
Catecholaminergic polymorphic ventricular tachycardia 1. Also called: VENTRICULAR TACHYCARDIA, STRESS-INDUCED POLYMORPHIC 1; VENTRICULAR TACHYCARDIA, CATECHOLAMINERGIC POLYMORPHIC, 1, WITH OR WITHOUT ATRIAL DYSFUNCTION AND/OR DILATED CARDIOMYOPATHY; RYR2-Related Catecholaminergic Polymorphic Ventricular Tachycardia. Identifiers: Orphanet 3286, MedGen C1631597, MONDO:0011484, OMIM 604772.

Submission:

Labcorp Genetics (formerly Invitae), Labcorp
Classification: Uncertain significance for Catecholaminergic polymorphic ventricular tachycardia 1. Last evaluated: 2021-02-19. Review status: criteria provided, single submitter. Criteria: Invitae Variant Classification Sherloc (09022015). Collection method: clinical testing. Allele origin: germline.
Comment: In summary, the available evidence is currently insufficient to determine the role of this variant in disease. Therefore, it has been classified as a Variant of Uncertain Significance. This sequence change falls in intron 39 of the TRDN gene. It does not directly change the encoded amino acid sequence of the TRDN protein. It affects a nucleotide within the consensus splice site of the intron. This variant is not present in population databases (ExAC no frequency). This variant has not been reported in the literature in individuals with TRDN-related conditions. Nucleotide substitutions within the consensus splice site are a relatively common cause of aberrant splicing (PMID: 17576681, 9536098). Algorithms developed to predict the effect of sequence changes on RNA splicing suggest that this variant is not likely to affect RNA splicing, but this prediction has not been confirmed by published transcriptional studies.

Literature cited by the submitters: PubMed 17576681; PubMed 9536098.

NM_006073.4(TRDN):c.2014+6T>G

Gene: TRDN (triadin; minus strand). Cytogenetic location: 6q22.31.
Variant type: single nucleotide variant.
Coding change: c.2014+6T>G on transcript NM_006073.4 (MANE Select); 6 bases into the intron after coding-DNA position 2014, T replaced by G.
Molecular consequence: intron variant.
Genome position (GRCh38, 1-based): chr6:123,224,087, A>C on the plus strand (T>G on the coding strand, the complement: TRDN is on the minus strand). VCF-style: chr6-123224087-A-C. GRCh37 (hg19) VCF-style: chr6-123545232-A-C.
Identifiers: ClinVar variation 1374095 (VCV001374095.7), dbSNP rs2114505362, ClinGen allele CA2573140519.
Genomic context (GRCh38, chr6:123,224,087, plus strand): 5'-AAGACAGACAAAAACCTTATAGCTTTGAGAGAAAACTTGTAAATGATCCAAAGACAGCAA[A>C]CTCACCTTTAGCTTTCTTTGAAGCTGGTACATCTTCAACATCTTCTAGAGTACAGAAAAA-3'